The following is an entry in ClinVar:

ClinVar aggregate classification (germline): Conflicting classifications of pathogenicity. Review status: criteria provided, conflicting classifications (1 of 4 stars). 3 submissions from 3 submitters: Uncertain significance (1); Likely benign (2). Last evaluated 2026-07-01.

Conditions:
Inborn genetic diseases. Identifiers: MedGen C0950123, MeSH D030342.

Allele frequency attached by ClinVar (database versions not stated): gnomAD 0.00034 and 0.00063; TOPMed 0.00051; gnomAD exomes 0.00170; 1000 Genomes Project 30x 0.00219; 1000 Genomes Project 0.00220; ExAC 0.00345.
gnomAD v4.1: 1,278 of 1,551,822 alleles (0.082%); highest among the groups gnomAD compares: South Asian, 0.88%; 12 homozygotes.

Submissions (3):

CeGaT Center for Human Genetics Tuebingen
Classification: Likely benign. Last evaluated: 2026-07-01. Review status: criteria provided, single submitter. Criteria: CeGaT Center For Human Genetics Tuebingen Variant Classification Criteria Version 2. Collection method: clinical testing. Allele origin: germline. Affected: yes. Observed: 9 variant alleles.
Comment: SHANK2: BS1

Ambry Genetics
Classification: Likely benign for Inborn genetic diseases. Last evaluated: 2021-07-23. Review status: criteria provided, single submitter. Criteria: Ambry Variant Classification Scheme 2023. Collection method: clinical testing. Allele origin: germline.

Breakthrough Genomics
Classification: Uncertain significance. Review status: criteria provided, single submitter. Criteria: ACMG Guidelines, 2015. Collection method: not provided. Allele origin: germline. Inheritance: Unknown mechanism. Affected: yes.

NM_012309.5(SHANK2):c.625G>A (p.Asp209Asn)

Gene: SHANK2 (SH3 and multiple ankyrin repeat domains 2; minus strand). Cytogenetic location: 11q13.4.
Variant type: single nucleotide variant.
Coding change: c.625G>A on transcript NM_012309.5 (MANE Select); coding-DNA position 625, G replaced by A.
Protein change: p.Asp209Asn; replaces aspartic acid 209 with asparagine.
Molecular consequence: missense variant.
Genome position (GRCh38, 1-based): chr11:71,094,656, C>T on the plus strand (G>A on the coding strand, the complement: SHANK2 is on the minus strand). VCF-style: chr11-71094656-C-T. GRCh37 (hg19) VCF-style: chr11-70805702-C-T.
Other names: short protein forms D209N.
Identifiers: ClinVar variation 305912 (VCV000305912.33), dbSNP rs183556625, ClinGen allele CA6162095.